The following is an entry in ClinVar:

NM_006231.4(POLE):c.6502G>T (p.Asp2168Tyr)

Gene: POLE (DNA polymerase epsilon, catalytic subunit; minus strand). Cytogenetic location: 12q24.33.
Variant type: single nucleotide variant.
Coding change: c.6502G>T on transcript NM_006231.4 (MANE Select); coding-DNA position 6502, G replaced by T.
Protein change: p.Asp2168Tyr; replaces aspartic acid 2168 with tyrosine.
Molecular consequence: missense variant.
Genome position (GRCh38, 1-based): chr12:132,626,146, C>A on the plus strand (G>T on the coding strand, the complement: POLE is on the minus strand). VCF-style: chr12-132626146-C-A. GRCh37 (hg19) VCF-style: chr12-133202732-C-A.
Other names: short protein forms D2168Y.
Identifiers: ClinVar variation 1027222 (VCV001027222.8), dbSNP rs2041833711, ClinGen allele CA387367227.

ClinVar aggregate classification (germline): Uncertain significance (1 of 4 stars; one submission).

gnomAD v4.1: 1 of 1,607,554 alleles (0.000062%); highest among the groups gnomAD compares: Non-Finnish European, 0.000085%; no homozygotes.

Submission:

Labcorp Genetics (formerly Invitae), Labcorp
Classification: Uncertain significance. Last evaluated: 2022-10-03. Review status: criteria provided, single submitter. Criteria: Invitae Variant Classification Sherloc (09022015). Collection method: clinical testing. Allele origin: germline.
Comment: ClinVar contains an entry for this variant (Variation ID: 1027222). Advanced modeling of protein sequence and biophysical properties (such as structural, functional, and spatial information, amino acid conservation, physicochemical variation, residue mobility, and thermodynamic stability) performed at Invitae indicates that this missense variant is expected to disrupt POLE protein function. In summary, the available evidence is currently insufficient to determine the role of this variant in disease. Therefore, it has been classified as a Variant of Uncertain Significance. This variant has not been reported in the literature in individuals affected with POLE-related conditions. This sequence change replaces aspartic acid, which is acidic and polar, with tyrosine, which is neutral and polar, at codon 2168 of the POLE protein (p.Asp2168Tyr). This variant is not present in population databases (gnomAD no frequency).